The following is an entry in ClinVar:

ClinVar aggregate classification (germline): Conflicting classifications of pathogenicity. Review status: criteria provided, conflicting classifications (1 of 4 stars). 2 submissions from 2 submitters: Uncertain significance (1); Likely benign (1). Last evaluated 2025-04-11.

Conditions:
Microcephaly 22, primary, autosomal recessive. Identifiers: MedGen C4693834, MONDO:0054805, OMIM 617984.

Allele frequency attached by ClinVar (database versions not stated): gnomAD 0.00081 and 0.00073; 1000 Genomes Project 0.00100; gnomAD exomes 0.00014; ESP Exome Variant Server 0.00038; 1000 Genomes Project 30x 0.00094; ExAC 0.00016; TOPMed 0.00077.
gnomAD v4.1: 234 of 1,613,936 alleles (0.014%); highest among the groups gnomAD compares: African/African-American, 0.26%; no homozygotes.

Submissions (2):

Ambry Genetics
Classification: Likely benign. Last evaluated: 2025-04-11. Review status: criteria provided, single submitter. Criteria: Ambry Variant Classification Scheme 2023. Collection method: clinical testing. Allele origin: germline.

Baylor Genetics
Classification: Uncertain significance for Microcephaly 22, primary, autosomal recessive. Last evaluated: 2019-10-21. Review status: criteria provided, single submitter. Criteria: ACMG Guidelines, 2015. Collection method: clinical testing. Allele origin: unknown. Affected: yes.
Comment: This variant was determined to be of uncertain significance according to ACMG Guidelines, 2015 [PMID:25741868].

NM_015261.3(NCAPD3):c.2135C>T (p.Thr712Met)

Gene: NCAPD3 (non-SMC condensin II complex subunit D3; minus strand). Cytogenetic location: 11q25.
Variant type: single nucleotide variant.
Coding change: c.2135C>T on transcript NM_015261.3 (MANE Select); coding-DNA position 2135, C replaced by T.
Protein change: p.Thr712Met; replaces threonine 712 with methionine.
Molecular consequence: missense variant.
Genome position (GRCh38, 1-based): chr11:134,185,437, G>A on the plus strand (C>T on the coding strand, the complement: NCAPD3 is on the minus strand). VCF-style: chr11-134185437-G-A. GRCh37 (hg19) VCF-style: chr11-134055332-G-A.
Other names: c.2135C>T, p.Thr712Met (NM_001372065.1, NM_001372068.1); c.1721C>T, p.Thr574Met (NM_001372069.1, NM_001372070.1); short protein forms T574M, T712M.
Identifiers: ClinVar variation 1029374 (VCV001029374.2), dbSNP rs143833204, ClinGen allele CA6371396.